The following is an entry in ClinVar:

NM_152703.5(SAMD9L):c.2234G>A (p.Cys745Tyr)

Gene: SAMD9L (sterile alpha motif domain containing 9 like; minus strand). Cytogenetic location: 7q21.2.
Variant type: single nucleotide variant.
Coding change: c.2234G>A on transcript NM_152703.5 (MANE Select); coding-DNA position 2234, G replaced by A.
Protein change: p.Cys745Tyr; replaces cysteine 745 with tyrosine.
Molecular consequence: missense variant.
Genome position (GRCh38, 1-based): chr7:93,133,738, C>T on the plus strand (G>A on the coding strand, the complement: SAMD9L is on the minus strand). VCF-style: chr7-93133738-C-T. GRCh37 (hg19) VCF-style: chr7-92763051-C-T.
Other names: c.2234G>A, p.Cys745Tyr (NM_001303496.3, NM_001303497.3, NM_001303498.3 and 5 more transcripts); short protein forms C745Y.
Identifiers: ClinVar variation 1952812 (VCV001952812.5), dbSNP rs2535421875, ClinGen allele CA368192018.

ClinVar aggregate classification (germline): Uncertain significance (1 of 4 stars; one submission).

Allele frequency attached by ClinVar (database versions not stated): gnomAD exomes below 0.00001.
gnomAD v4.1: 2 of 1,613,752 alleles (0.00012%); highest among the groups gnomAD compares: South Asian, 0.0011%; no homozygotes.

Submission:

Labcorp Genetics (formerly Invitae), Labcorp
Classification: Uncertain significance. Last evaluated: 2022-05-29. Review status: criteria provided, single submitter. Criteria: Invitae Variant Classification Sherloc (09022015). Collection method: clinical testing. Allele origin: germline.
Comment: This sequence change replaces cysteine, which is neutral and slightly polar, with tyrosine, which is neutral and polar, at codon 745 of the SAMD9L protein (p.Cys745Tyr). This variant is not present in population databases (gnomAD no frequency). This variant has not been reported in the literature in individuals affected with SAMD9L-related conditions. Algorithms developed to predict the effect of missense changes on protein structure and function are either unavailable or do not agree on the potential impact of this missense change (SIFT: "Not Available"; PolyPhen-2: "Probably Damaging"; Align-GVGD: "Not Available"). In summary, the available evidence is currently insufficient to determine the role of this variant in disease. Therefore, it has been classified as a Variant of Uncertain Significance.